The following is an entry in ClinVar:

ClinVar aggregate classification (germline): Benign/Likely benign. Review status: criteria provided, multiple submitters, no conflicts (2 of 4 stars). 5 submissions from 5 submitters: Benign (1); Likely benign (4). Last evaluated 2025-12-22.

Conditions:
DYNC1H1-related disorder. Also called: DYNC1H1-related condition; DYNC1H1-related disorders. Identifiers: MedGen CN381529.
Inborn genetic diseases. Identifiers: MedGen C0950123, MeSH D030342.
Charcot-Marie-Tooth disease axonal type 2O. Also called: Charcot-Marie-Tooth disease, axonal, type 20; Charcot-Marie-Tooth Neuropathy Type 2O; CHARCOT-MARIE-TOOTH NEUROPATHY, AXONAL, TYPE 2O; CHARCOT-MARIE-TOOTH DISEASE, AXONAL, AUTOSOMAL DOMINANT, TYPE 2O. Identifiers: Orphanet 284232, MedGen C3280220, MONDO:0013644, OMIM 614228.

Allele frequency attached by ClinVar (database versions not stated): 1000 Genomes Project 30x 0.00016; 1000 Genomes Project 0.00020; gnomAD 0.00021 and 0.00023; TOPMed 0.00030; gnomAD exomes 0.00004 and 0.00006; ExAC 0.00007; ESP Exome Variant Server 0.00015.
gnomAD v4.1: 86 of 1,611,996 alleles (0.0053%); highest among the groups gnomAD compares: African/African-American, 0.088%; no homozygotes.

Submissions (5):

Labcorp Genetics (formerly Invitae), Labcorp
Classification: Likely benign for Charcot-Marie-Tooth disease axonal type 2O. Last evaluated: 2025-12-22. Review status: criteria provided, single submitter. Criteria: Invitae Variant Classification Sherloc (09022015). Collection method: clinical testing. Allele origin: germline.

PreventionGenetics, part of Exact Sciences
Classification: Likely benign for DYNC1H1-related condition. Last evaluated: 2025-12-09. Review status: criteria provided, single submitter. Criteria: ACMG Guidelines, 2015. Collection method: clinical testing. Allele origin: germline.
Comment: This variant is classified as likely benign based on ACMG/AMP sequence variant interpretation guidelines (Richards et al. 2015 PMID: 25741868, with internal and published modifications).

GeneDx
Classification: Likely benign. Last evaluated: 2021-02-20. Review status: criteria provided, single submitter. Criteria: GeneDx Variant Classification Process June 2021. Collection method: clinical testing. Allele origin: germline. Affected: yes.

Ambry Genetics
Classification: Likely benign for Inborn genetic diseases. Last evaluated: 2020-10-08. Review status: criteria provided, single submitter. Criteria: Ambry Variant Classification Scheme 2023. Collection method: clinical testing. Allele origin: germline.

Athena Diagnostics
Classification: Benign. Last evaluated: 2018-03-08. Review status: criteria provided, single submitter. Criteria: Athena Diagnostics Criteria. Collection method: clinical testing. Allele origin: germline.

NM_001376.5(DYNC1H1):c.4075-6C>T

Gene: DYNC1H1 (dynein cytoplasmic 1 heavy chain 1; plus strand). Cytogenetic location: 14q32.31.
Variant type: single nucleotide variant.
Coding change: c.4075-6C>T on transcript NM_001376.5 (MANE Select); 6 bases into the intron before coding-DNA position 4075, C replaced by T.
Molecular consequence: intron variant.
Genome position (GRCh38, 1-based): chr14:102,000,948, C>T. VCF-style: chr14-102000948-C-T. GRCh37 (hg19) VCF-style: chr14-102467285-C-T.
Identifiers: ClinVar variation 383974 (VCV000383974.18), dbSNP rs377411812, ClinGen allele CA7352166.